The following is an entry in ClinVar:

NM_000179.3(MSH6):c.4002-31_4002-8inv

Gene: MSH6 (mutS homolog 6; plus strand). Cytogenetic location: 2p16.3.
Variant type: Inversion.
Coding change: c.4002-31_4002-8inv on transcript NM_000179.3 (MANE Select).
Molecular consequence: intron variant.
Genome position: GRCh38: chr2:47,806,748-47,806,771. GRCh37 (hg19): chr2:48,033,887-48,033,910.
Other names: c.3096-31_3096-8inv (NM_001281493.2, NM_001281494.2); c.3612-31_3612-8inv (NM_001281492.2).
Identifiers: ClinVar variation 89514 (VCV000089514.2), ClinGen allele CA357262.

ClinVar aggregate classification (germline): Pathogenic (3 of 4 stars; one submission).

Conditions:
Lynch syndrome. Identifiers: Orphanet 144, MedGen C4552100, MONDO:0005835. Disease mechanism: loss of function.

Submission:

International Society for Gastrointestinal Hereditary Tumours (InSiGHT)
Classification: Pathogenic for Lynch Syndrome. Last evaluated: 2013-09-05. Review status: reviewed by expert panel. Criteria: Guidelines v1.9. Collection method: research. Allele origin: germline.
Comment: Variant causes splicing aberration (complete inactivation of variant allele)

Classified with v1.9 guidelines